The following is an entry in ClinVar:

ClinVar aggregate classification (germline): Uncertain significance (1 of 4 stars; one submission).

Conditions:
Nephronophthisis. Also called: Juvenile Nephronophthisis. Identifiers: Orphanet 655, MedGen C0687120, MONDO:0019005, HP:0000090.

Allele frequency attached by ClinVar (database versions not stated): gnomAD 0.00001; TOPMed 0.00001; 1000 Genomes Project 30x 0.00016; 1000 Genomes Project 0.00020.
gnomAD v4.1: 17 of 1,613,850 alleles (0.0011%); highest among the groups gnomAD compares: South Asian, 0.0022%; no homozygotes.

Submission:

Labcorp Genetics (formerly Invitae), Labcorp
Classification: Uncertain significance for Nephronophthisis. Last evaluated: 2021-09-29. Review status: criteria provided, single submitter. Criteria: Invitae Variant Classification Sherloc (09022015). Collection method: clinical testing. Allele origin: germline.
Comment: In summary, the available evidence is currently insufficient to determine the role of this variant in disease. Therefore, it has been classified as a Variant of Uncertain Significance. Algorithms developed to predict the effect of missense changes on protein structure and function are either unavailable or do not agree on the potential impact of this missense change (SIFT: "Deleterious"; PolyPhen-2: "Benign"; Align-GVGD: "Class C0"). This variant has not been reported in the literature in individuals affected with GLIS2-related conditions. This variant is present in population databases (rs140720783, ExAC 0.006%). This sequence change replaces arginine with cysteine at codon 236 of the GLIS2 protein (p.Arg236Cys). The arginine residue is highly conserved and there is a large physicochemical difference between arginine and cysteine.

NM_032575.3(GLIS2):c.706C>T (p.Arg236Cys)

Gene: GLIS2 (GLIS family zinc finger 2; plus strand). Cytogenetic location: 16p13.3.
Variant type: single nucleotide variant.
Coding change: c.706C>T on transcript NM_032575.3 (MANE Select); coding-DNA position 706, C replaced by T.
Protein change: p.Arg236Cys; replaces arginine 236 with cysteine.
Molecular consequence: missense variant.
Genome position (GRCh38, 1-based): chr16:4,335,324, C>T. VCF-style: chr16-4335324-C-T. GRCh37 (hg19) VCF-style: chr16-4385325-C-T.
Other names: c.706C>T, p.Arg236Cys (NM_001318918.2); short protein forms R236C.
Identifiers: ClinVar variation 1441032 (VCV001441032.6), dbSNP rs140720783, ClinGen allele CA7873092.
Genomic context (GRCh38, chr16:4,335,324, plus strand): 5'-CCCTGGAGCAGGTACAAGATGCTCATCCACATCCGCACACACACCAACGAGAAGCCACAC[C>T]GCTGTCCGACCTGCAGCAAGAGCTTCTCCCGCCTGGAGAACCTGAAGATCCACAACCGGT-3'
Protein context (NP_115964.2, residues 226-246): IRTHTNEKPH[Arg236Cys]CPTCSKSFSR